The following is an entry in ClinVar:

ClinVar aggregate classification (germline): Uncertain significance. Review status: criteria provided, multiple submitters, no conflicts (2 of 4 stars). 2 submissions from 2 submitters: Uncertain significance (2). Last evaluated 2022-02-06.

Allele frequency attached by ClinVar (database versions not stated): ExAC 0.00001; gnomAD 0.00001; gnomAD exomes 0.00001; TOPMed 0.00002.
gnomAD v4.1: 9 of 1,614,134 alleles (0.00056%); highest among the groups gnomAD compares: Non-Finnish European, 0.00076%; no homozygotes.

Submissions (2):

Labcorp Genetics (formerly Invitae), Labcorp
Classification: Uncertain significance. Last evaluated: 2022-02-06. Review status: criteria provided, single submitter. Criteria: Invitae Variant Classification Sherloc (09022015). Collection method: clinical testing. Allele origin: germline.
Comment: This sequence change replaces phenylalanine, which is neutral and non-polar, with leucine, which is neutral and non-polar, at codon 394 of the TRPM1 protein (p.Phe394Leu). This variant is not present in population databases (gnomAD no frequency). This variant has not been reported in the literature in individuals affected with TRPM1-related conditions. ClinVar contains an entry for this variant (Variation ID: 499760). Algorithms developed to predict the effect of missense changes on protein structure and function are either unavailable or do not agree on the potential impact of this missense change (SIFT: "Deleterious"; PolyPhen-2: "Possibly Damaging"; Align-GVGD: "Class C0"). In summary, the available evidence is currently insufficient to determine the role of this variant in disease. Therefore, it has been classified as a Variant of Uncertain Significance.

Eurofins Ntd Llc (ga)
Classification: Uncertain significance. Last evaluated: 2017-01-26. Review status: criteria provided, single submitter. Criteria: EGL Classification Definitions 2015. Collection method: clinical testing. Allele origin: germline. Observed: 1 variant allele, 1 heterozygote.

NM_001252024.2(TRPM1):c.1246T>C (p.Phe416Leu)

Gene: TRPM1 (transient receptor potential cation channel subfamily M member 1; minus strand). Cytogenetic location: 15q13.3.
Variant type: single nucleotide variant.
Coding change: c.1246T>C on transcript NM_001252024.2 (MANE Select); coding-DNA position 1246, T replaced by C.
Protein change: p.Phe416Leu; replaces phenylalanine 416 with leucine.
Molecular consequence: missense variant.
Genome position (GRCh38, 1-based): chr15:31,060,561, A>G on the plus strand (T>C on the coding strand, the complement: TRPM1 is on the minus strand). VCF-style: chr15-31060561-A-G. GRCh37 (hg19) VCF-style: chr15-31352764-A-G.
Other names: c.1297T>C, p.Phe433Leu (NM_001252020.2); c.1180T>C, p.Phe394Leu (NM_002420.6); short protein forms F394L, F416L, F433L.
Identifiers: ClinVar variation 499760 (VCV000499760.6), dbSNP rs750628682, ClinGen allele CA7452639.